The following is an entry in ClinVar:

NM_001148.6(ANK2):c.9260C>T (p.Thr3087Ile)

Gene: ANK2 (ankyrin 2; plus strand). Cytogenetic location: 4q26.
Variant type: single nucleotide variant.
Coding change: c.9260C>T on transcript NM_001148.6 (MANE Select); coding-DNA position 9260, C replaced by T.
Protein change: p.Thr3087Ile; replaces threonine 3087 with isoleucine.
Molecular consequence: missense variant. On other transcripts: intron variant (68).
Genome position (GRCh38, 1-based): chr4:113,357,878, C>T. VCF-style: chr4-113357878-C-T. GRCh37 (hg19) VCF-style: chr4-114279034-C-T.
Other names: c.9026C>T, p.Thr3009Ile (NM_001386142.1); c.5660C>T, p.Thr1887Ile (NM_001386166.1); c.9401C>T, p.Thr3134Ile (NM_001386174.1); c.9377C>T, p.Thr3126Ile (NM_001386175.1); c.4412-2945C>T (NM_001386186.2, NM_001386148.2); c.4214-2945C>T (NM_001354269.3); c.4292-2945C>T (NM_001386187.2); c.4253-2945C>T (NM_001386147.1); and 35 more; short protein forms T1887I, T3009I, T3087I, T3126I, T3134I.
Identifiers: ClinVar variation 1183500 (VCV001183500.6), dbSNP rs2154028671, ClinGen allele CA357936945.
Genomic context (GRCh38, chr4:113,357,878, plus strand): 5'-TTGGTTTGATGGTAGACAGACAATCACAGGGTACCACCCCTGACACCACTCCTGCTAGGA[C>T]CCCAACTGAAGAGGGGACCCCAACAAGTGAGCAAAACCCATTTCTGTTTCAGGAAGGAAA-3'
Protein context (NP_001139.3, residues 3077-3097): GTTPDTTPAR[Thr3087Ile]PTEEGTPTSE

ClinVar aggregate classification (germline): Uncertain significance. Review status: criteria provided, multiple submitters, no conflicts (2 of 4 stars). 3 submissions from 3 submitters: Uncertain significance (3). Last evaluated 2025-12-30.

Conditions:
Cardiovascular phenotype. Identifiers: MedGen CN230736.
Long QT syndrome (LQTS). Identifiers: MedGen C0023976, MeSH D008133, MONDO:0002442. Disease mechanism: loss of function. Inheritance: Various modes of inheritance.

gnomAD v4.1: 2 of 1,614,056 alleles (0.00012%); highest among the groups gnomAD compares: Non-Finnish European, 0.00017%; no homozygotes.

Submissions (3):

Ambry Genetics
Classification: Uncertain significance for Cardiovascular phenotype. Last evaluated: 2025-12-30. Review status: criteria provided, single submitter. Criteria: Ambry Variant Classification Scheme 2023. Collection method: clinical testing. Allele origin: germline.
Comment: The p.T3087I variant (also known as c.9260C>T), located in coding exon 38 of the ANK2 gene, results from a C to T substitution at nucleotide position 9260. The threonine at codon 3087 is replaced by isoleucine, an amino acid with similar properties. This amino acid position is conserved. In addition, this alteration is predicted to be deleterious by in silico analysis. Based on the available evidence, the clinical significance of this variant remains unclear.

Labcorp Genetics (formerly Invitae), Labcorp
Classification: Uncertain significance for Long QT syndrome. Last evaluated: 2023-10-29. Review status: criteria provided, single submitter. Criteria: Invitae Variant Classification Sherloc (09022015). Collection method: clinical testing. Allele origin: germline.
Comment: This sequence change replaces threonine, which is neutral and polar, with isoleucine, which is neutral and non-polar, at codon 3087 of the ANK2 protein (p.Thr3087Ile). This variant is not present in population databases (gnomAD no frequency). This variant has not been reported in the literature in individuals affected with ANK2-related conditions. ClinVar contains an entry for this variant (Variation ID: 1183500). An algorithm developed to predict the effect of missense changes on protein structure and function (PolyPhen-2) suggests that this variant is likely to be disruptive. In summary, the available evidence is currently insufficient to determine the role of this variant in disease. Therefore, it has been classified as a Variant of Uncertain Significance.

GeneDx
Classification: Uncertain significance. Last evaluated: 2021-02-09. Review status: criteria provided, single submitter. Criteria: GeneDx Variant Classification Process June 2021. Collection method: clinical testing. Allele origin: germline. Affected: yes.
Comment: Not observed in large population cohorts (Lek et al., 2016); In silico analysis supports that this missense variant has a deleterious effect on protein structure/function; Has not been previously published as pathogenic or benign to our knowledge